The following is an entry in ClinVar:

ClinVar aggregate classification (germline): Uncertain significance (1 of 4 stars; one submission).

Conditions:
Norman-Roberts syndrome (LIS2). Also called: Lissencephaly 2 (Norman-Roberts type). Identifiers: Orphanet 89844, MedGen C0796089, MONDO:0009760, OMIM 257320.
Familial temporal lobe epilepsy 7. Identifiers: Orphanet 101046, MedGen C4225327, MONDO:0014639, OMIM 616436.

Submission:

Labcorp Genetics (formerly Invitae), Labcorp
Classification: Uncertain significance for Familial temporal lobe epilepsy 7; Norman-Roberts syndrome. Last evaluated: 2025-12-27. Review status: criteria provided, single submitter. Criteria: Invitae Variant Classification Sherloc (09022015). Collection method: clinical testing. Allele origin: germline.
Comment: This sequence change replaces aspartic acid, which is acidic and polar, with glutamic acid, which is acidic and polar, at codon 279 of the RELN protein (p.Asp279Glu). This variant is not present in population databases (gnomAD no frequency). This variant has not been reported in the literature in individuals affected with RELN-related conditions. ClinVar contains an entry for this variant (Variation ID: 1485675). Invitae Evidence Modeling of protein sequence and biophysical properties (such as structural, functional, and spatial information, amino acid conservation, physicochemical variation, residue mobility, and thermodynamic stability) indicates that this missense variant is not expected to disrupt RELN protein function with a negative predictive value of 80%. In summary, the available evidence is currently insufficient to determine the role of this variant in disease. Therefore, it has been classified as a Variant of Uncertain Significance.

NM_005045.4(RELN):c.837C>A (p.Asp279Glu)

Gene: RELN (reelin; minus strand). Cytogenetic location: 7q22.1.
Variant type: single nucleotide variant.
Coding change: c.837C>A on transcript NM_005045.4 (MANE Select); coding-DNA position 837, C replaced by A.
Protein change: p.Asp279Glu; replaces aspartic acid 279 with glutamic acid.
Molecular consequence: missense variant.
Genome position (GRCh38, 1-based): chr7:103,700,975, G>T on the plus strand (C>A on the coding strand, the complement: RELN is on the minus strand). VCF-style: chr7-103700975-G-T. GRCh37 (hg19) VCF-style: chr7-103341422-G-T.
Other names: c.837C>A, p.Asp279Glu (NM_173054.3); short protein forms D279E.
Identifiers: ClinVar variation 1485675 (VCV001485675.8), dbSNP rs1295965524, ClinGen allele CA368928110.
Genomic context (GRCh38, chr7:103,700,975, plus strand): 5'-TTTCTCTAGCTGAATCCAGTCCGCAGAGTTATTCTTGGCATATAACACGATGATGCTGGG[G>T]TCTGAATAACTAAAGCGACATGAACCTGACCCTGTAAATAGCAATAACAATAAATTTCAA-3'
Protein context (NP_005036.2, residues 269-289): GSGSCRFSYS[Asp279Glu]PSIIVLYAKN